The following is an entry in ClinVar:

ClinVar aggregate classification (germline): Conflicting classifications of pathogenicity. Review status: criteria provided, conflicting classifications (1 of 4 stars). 2 submissions from 2 submitters: Uncertain significance (1); Likely benign (1). Last evaluated 2025-03-13.

Conditions:
SETD2-related disorder.

Allele frequency attached by ClinVar (database versions not stated): gnomAD exomes 0.00001 and 0.00002; ExAC 0.00002.
gnomAD v4.1: 9 of 1,610,530 alleles (0.00056%); highest among the groups gnomAD compares: South Asian, 0.0099%; no homozygotes.

Submissions (2):

PreventionGenetics, part of Exact Sciences
Classification: Likely benign for SETD2-related condition. Last evaluated: 2025-03-13. Review status: criteria provided, single submitter. Criteria: ACMG Guidelines, 2015. Collection method: clinical testing. Allele origin: germline.
Comment: This variant is classified as likely benign based on ACMG/AMP sequence variant interpretation guidelines (Richards et al. 2015 PMID: 25741868, with internal and published modifications).

GeneDx
Classification: Uncertain significance. Last evaluated: 2020-07-07. Review status: criteria provided, single submitter. Criteria: GeneDx Variant Classification Process June 2021. Collection method: clinical testing. Allele origin: germline. Affected: yes.
Comment: In silico analysis supports that this missense variant has a deleterious effect on protein structure/function; Has not been previously published as pathogenic or benign to our knowledge

NM_014159.7(SETD2):c.1727C>T (p.Thr576Ile)

Gene: SETD2 (SET domain containing 2, histone lysine methyltransferase; minus strand). Cytogenetic location: 3p21.31.
Variant type: single nucleotide variant.
Coding change: c.1727C>T on transcript NM_014159.7 (MANE Select); coding-DNA position 1727, C replaced by T.
Protein change: p.Thr576Ile; replaces threonine 576 with isoleucine.
Molecular consequence: missense variant. On other transcripts: non-coding transcript variant (1).
Genome position (GRCh38, 1-based): chr3:47,122,909, G>A on the plus strand (C>T on the coding strand, the complement: SETD2 is on the minus strand). VCF-style: chr3-47122909-G-A. GRCh37 (hg19) VCF-style: chr3-47164399-G-A.
Other names: c.1595C>T, p.Thr532Ile (NM_001349370.3); short protein forms T532I, T576I.
Identifiers: ClinVar variation 1312917 (VCV001312917.3), dbSNP rs752022280, ClinGen allele CA2363639.
Genomic context (GRCh38, chr3:47,122,909, plus strand): 5'-TTTGAACAAGGTGTCTGTAAACTAAAAGAATGAGACTGTTTGATTTCTTCATTTAATTCT[G>A]TACAACAGAAAGAATTTTTAAATTTATCAGACTTGGGTATAGGTTTTGAAAGGGTAGATT-3'
Protein context (NP_054878.5, residues 566-586): SDKFKNSFCC[Thr576Ile]ELNEEIKQSH